The following is an entry in ClinVar:

ClinVar aggregate classification (germline): Pathogenic (1 of 4 stars; one submission).

Conditions:
Cardiovascular phenotype. Identifiers: MedGen CN230736.

Submission:

Ambry Genetics
Classification: Pathogenic for Cardiovascular phenotype. Last evaluated: 2019-08-16. Review status: criteria provided, single submitter. Criteria: Ambry Variant Classification Scheme 2023. Collection method: clinical testing. Allele origin: germline.
Comment: The p.E720* pathogenic mutation (also known as c.2158G>T), located in coding exon 23 of the MYBPC3 gene, results from a G to T substitution at nucleotide position 2158. This changes the amino acid from a glutamic acid to a stop codon within coding exon 23. This alteration is expected to result in loss of function by premature protein truncation or nonsense-mediated mRNA decay. As such, this alteration is interpreted as a disease-causing mutation.

NM_000256.3(MYBPC3):c.2158G>T (p.Glu720Ter)

Gene: MYBPC3 (myosin binding protein C3; minus strand). Cytogenetic location: 11p11.2.
Variant type: single nucleotide variant.
Coding change: c.2158G>T on transcript NM_000256.3 (MANE Select); coding-DNA position 2158, G replaced by T.
Protein change: p.Glu720Ter; replaces glutamic acid 720 with a stop codon.
Molecular consequence: nonsense.
Genome position (GRCh38, 1-based): chr11:47,338,670, C>A on the plus strand (G>T on the coding strand, the complement: MYBPC3 is on the minus strand). VCF-style: chr11-47338670-C-A. GRCh37 (hg19) VCF-style: chr11-47360221-C-A.
Other names: c.2158G>T, p.Glu720Ter (LRG_386t1); short protein forms E720*.
Identifiers: ClinVar variation 264065 (VCV000264065.5), dbSNP rs886039028, ClinGen allele CA10587727.